The following is an entry in ClinVar:

ClinVar aggregate classification (germline): Uncertain significance (1 of 4 stars; one submission).

Conditions:
Early-infantile DEE. Also called: Early infantile epileptic encephalopathy with suppression bursts; Early infantile epileptic encephalopathy; Ohtahara syndrome. Identifiers: Orphanet 1934, MedGen C0393706, MONDO:0800491.

Submission:

Labcorp Genetics (formerly Invitae), Labcorp
Classification: Uncertain significance for Early-infantile DEE. Last evaluated: 2025-04-11. Review status: criteria provided, single submitter. Criteria: Invitae Variant Classification Sherloc (09022015). Collection method: clinical testing. Allele origin: germline.
Comment: This sequence change replaces serine, which is neutral and polar, with proline, which is neutral and non-polar, at codon 1946 of the SCN8A protein (p.Ser1946Pro). This variant is not present in population databases (gnomAD no frequency). This variant has not been reported in the literature in individuals affected with SCN8A-related conditions. Invitae Evidence Modeling of protein sequence and biophysical properties (such as structural, functional, and spatial information, amino acid conservation, physicochemical variation, residue mobility, and thermodynamic stability) indicates that this missense variant is not expected to disrupt SCN8A protein function with a negative predictive value of 95%. In summary, the available evidence is currently insufficient to determine the role of this variant in disease. Therefore, it has been classified as a Variant of Uncertain Significance.

NM_001330260.2(SCN8A):c.5836T>C (p.Ser1946Pro)

Gene: SCN8A (sodium voltage-gated channel alpha subunit 8; plus strand). Cytogenetic location: 12q13.13.
Variant type: single nucleotide variant.
Coding change: c.5836T>C on transcript NM_001330260.2 (MANE Select); coding-DNA position 5836, T replaced by C.
Protein change: p.Ser1946Pro; replaces serine 1946 with proline.
Molecular consequence: missense variant.
Genome position (GRCh38, 1-based): chr12:51,807,322, T>C. VCF-style: chr12-51807322-T-C. GRCh37 (hg19) VCF-style: chr12-52201106-T-C.
Other names: c.5713T>C, p.Ser1905Pro (NM_001177984.3, NM_001369788.1); c.5836T>C, p.Ser1946Pro (NM_014191.4); short protein forms S1905P, S1946P.
Identifiers: ClinVar variation 4801292 (VCV004801292.1).